The following is an entry in ClinVar:

ClinVar aggregate classification (germline): Uncertain significance (1 of 4 stars; one submission).

Conditions:
Hereditary cancer-predisposing syndrome. Also called: Neoplastic Syndromes, Hereditary; Tumor predisposition; Hereditary Cancer Syndrome; Hereditary neoplastic syndrome. Identifiers: Orphanet 140162, MedGen C0027672, MeSH D009386, MONDO:0015356.

Submission:

Ambry Genetics
Classification: Uncertain significance for Hereditary cancer-predisposing syndrome. Last evaluated: 2026-03-10. Review status: criteria provided, single submitter. Criteria: Ambry Variant Classification Scheme 2023. Collection method: clinical testing. Allele origin: germline.
Comment: The p.I283V variant (also known as c.847A>G), located in coding exon 7 of the EPCAM gene, results from an A to G substitution at nucleotide position 847. The isoleucine at codon 283 is replaced by valine, an amino acid with highly similar properties. This amino acid position is conserved. In addition, this alteration is predicted to be tolerated by in silico analysis. Based on the available evidence, the clinical significance of this variant remains unclear.

NM_002354.3(EPCAM):c.847A>G (p.Ile283Val)

Gene: EPCAM (epithelial cell adhesion molecule; plus strand). Cytogenetic location: 2p21.
Variant type: single nucleotide variant.
Coding change: c.847A>G on transcript NM_002354.3 (MANE Select); coding-DNA position 847, A replaced by G.
Protein change: p.Ile283Val; replaces isoleucine 283 with valine.
Molecular consequence: missense variant.
Genome position (GRCh38, 1-based): chr2:47,379,958, A>G. VCF-style: chr2-47379958-A-G. GRCh37 (hg19) VCF-style: chr2-47607097-A-G.
Other names: short protein forms I283V.
Identifiers: ClinVar variation 4827123 (VCV004827123.1).